The following is an entry in ClinVar:

NM_000944.5(PPP3CA):c.938A>G (p.Asp313Gly)

Gene: PPP3CA (protein phosphatase 3 catalytic subunit alpha; minus strand). Cytogenetic location: 4q24.
Variant type: single nucleotide variant.
Coding change: c.938A>G on transcript NM_000944.5 (MANE Select); coding-DNA position 938, A replaced by G.
Protein change: p.Asp313Gly; replaces aspartic acid 313 with glycine.
Molecular consequence: missense variant.
Genome position (GRCh38, 1-based): chr4:101,080,549, T>C on the plus strand (A>G on the coding strand, the complement: PPP3CA is on the minus strand). VCF-style: chr4-101080549-T-C. GRCh37 (hg19) VCF-style: chr4-102001706-T-C.
Other names: c.938A>G, p.Asp313Gly (NM_001130691.2, NM_001130692.2); short protein forms D313G.
Identifiers: ClinVar variation 3663363 (VCV003663363.2).

ClinVar aggregate classification (germline): Uncertain significance (1 of 4 stars; one submission).

Submission:

Labcorp Genetics (formerly Invitae), Labcorp
Classification: Uncertain significance. Last evaluated: 2024-08-24. Review status: criteria provided, single submitter. Criteria: Invitae Variant Classification Sherloc (09022015). Collection method: clinical testing. Allele origin: germline.
Comment: This sequence change replaces aspartic acid, which is acidic and polar, with glycine, which is neutral and non-polar, at codon 313 of the PPP3CA protein (p.Asp313Gly). This variant is not present in population databases (gnomAD no frequency). This variant has not been reported in the literature in individuals affected with PPP3CA-related conditions. Invitae Evidence Modeling of protein sequence and biophysical properties (such as structural, functional, and spatial information, amino acid conservation, physicochemical variation, residue mobility, and thermodynamic stability) indicates that this missense variant is not expected to disrupt PPP3CA protein function with a negative predictive value of 80%. In summary, the available evidence is currently insufficient to determine the role of this variant in disease. Therefore, it has been classified as a Variant of Uncertain Significance.